The following is an entry in ClinVar:

ClinVar aggregate classification (germline): Pathogenic/Likely pathogenic. Review status: criteria provided, multiple submitters, no conflicts (2 of 4 stars). 2 submissions from 2 submitters: Pathogenic (1); Likely pathogenic (1). Last evaluated 2025-12-18.

Conditions:
Congenital contractures of the limbs and face, hypotonia, and developmental delay (CLIFAHDD). Identifiers: Orphanet 562528, MedGen C4225398, MONDO:0014556, OMIM 616266.

Submissions (2):

Equipe Genetique des Anomalies du Developpement, Université de Bourgogne
Classification: Likely pathogenic for Congenital contractures of the limbs and face, hypotonia, and developmental delay. Last evaluated: 2025-12-18. Review status: criteria provided, single submitter. Criteria: ACMG Guidelines, 2015. Collection method: clinical testing. Allele origin: de novo. Affected: yes.

GeneDx
Classification: Pathogenic. Last evaluated: 2021-11-08. Review status: criteria provided, single submitter. Criteria: GeneDx Variant Classification Process June 2021. Collection method: clinical testing. Allele origin: germline. Affected: yes.
Comment: Has not been previously published as pathogenic or benign to our knowledge; Not observed in large population cohorts (Lek et al., 2016); In silico analysis, which includes protein predictors and evolutionary conservation, supports that this variant does not alter protein structure/function

NM_052867.4(NALCN):c.3058G>A (p.Val1020Ile)

Gene: NALCN (sodium leak channel, non-selective; minus strand). Cytogenetic location: 13q33.1.
Variant type: single nucleotide variant.
Coding change: c.3058G>A on transcript NM_052867.4 (MANE Select); coding-DNA position 3058, G replaced by A.
Protein change: p.Val1020Ile; replaces valine 1020 with isoleucine.
Molecular consequence: missense variant.
Genome position (GRCh38, 1-based): chr13:101,100,888, C>T on the plus strand (G>A on the coding strand, the complement: NALCN is on the minus strand). VCF-style: chr13-101100888-C-T. GRCh37 (hg19) VCF-style: chr13-101753239-C-T.
Other names: c.3145G>A, p.Val1049Ile (NM_001350748.2); c.3058G>A, p.Val1020Ile (NM_001350749.2); c.2971G>A, p.Val991Ile (NM_001350750.2, NM_001350751.2); short protein forms V1020I, V1049I, V991I.
Identifiers: ClinVar variation 1320625 (VCV001320625.3), dbSNP rs2139597781, ClinGen allele CA388654915.
Genomic context (GRCh38, chr13:101,100,888, plus strand): 5'-CAAAAAGCTGAACTCCAAAGCTTGCAAAAACGAGCATTAATGTCAGCAAAAGAATGGAGA[C>T]CTGAAAGAAATTGATGAAATGTTAAATCTCTTGTTAAAGACTAAATATTAGGTTTGGTTT-3'
Protein context (NP_443099.1, residues 1010-1030): LFSGFKEIFL[Val1020Ile]SILLLTLMLV